The following is an entry in ClinVar:

ClinVar aggregate classification (germline): Uncertain significance (1 of 4 stars; one submission).

Conditions:
Multiple endocrine neoplasia, type 1 (MEN1). Also called: MEA I; MEN I; WERMER SYNDROME; Endocrine adenomatosis multiple; MEN 1. Identifiers: Orphanet 652, MedGen C0025267, MeSH D018761, MONDO:0007540, OMIM 131100.

Submission:

Labcorp Genetics (formerly Invitae), Labcorp
Classification: Uncertain significance for Multiple endocrine neoplasia, type 1. Last evaluated: 2023-10-04. Review status: criteria provided, single submitter. Criteria: Invitae Variant Classification Sherloc (09022015). Collection method: clinical testing. Allele origin: germline.
Comment: This sequence change replaces glutamic acid, which is acidic and polar, with lysine, which is basic and polar, at codon 287 of the MEN1 protein (p.Glu287Lys). This variant is not present in population databases (gnomAD no frequency). This variant has not been reported in the literature in individuals affected with MEN1-related conditions. Advanced modeling of protein sequence and biophysical properties (such as structural, functional, and spatial information, amino acid conservation, physicochemical variation, residue mobility, and thermodynamic stability) performed at Invitae indicates that this missense variant is expected to disrupt MEN1 protein function. In summary, the available evidence is currently insufficient to determine the role of this variant in disease. Therefore, it has been classified as a Variant of Uncertain Significance.

NM_001370259.2(MEN1):c.859G>A (p.Glu287Lys)

Gene: MEN1 (menin 1; minus strand). Cytogenetic location: 11q13.1.
Variant type: single nucleotide variant.
Coding change: c.859G>A on transcript NM_001370259.2 (MANE Select); coding-DNA position 859, G replaced by A.
Protein change: p.Glu287Lys; replaces glutamic acid 287 with lysine.
Molecular consequence: missense variant. On other transcripts: non-coding transcript variant (4).
Genome position (GRCh38, 1-based): chr11:64,807,064, C>T on the plus strand (G>A on the coding strand, the complement: MEN1 is on the minus strand). VCF-style: chr11-64807064-C-T. GRCh37 (hg19) VCF-style: chr11-64574536-C-T.
Other names: c.874G>A, p.Glu292Lys (NM_000244.4, NM_001407145.1, NM_001407150.1 and 5 more transcripts); c.859G>A, p.Glu287Lys (NM_001370251.2, NM_001370260.2, NM_001370261.2 and 7 more transcripts); c.754G>A, p.Glu252Lys (NM_001370262.2, NM_001370263.2, NM_001407148.1 and 2 more transcripts); short protein forms E252K, E292K, E287K.
Identifiers: ClinVar variation 2765276 (VCV002765276.3), dbSNP rs2136129231, ClinGen allele CA381183614.